The following is an entry in ClinVar:

ClinVar aggregate classification (germline): Uncertain significance (1 of 4 stars; one submission).

Allele frequency attached by ClinVar (database versions not stated): gnomAD exomes below 0.00001; TOPMed 0.00001.
gnomAD v4.1: 1 of 1,210,349 alleles (0.000083%); highest among the groups gnomAD compares: Non-Finnish European, 0.00011%; no homozygotes.

Submission:

Labcorp Genetics (formerly Invitae), Labcorp
Classification: Uncertain significance. Last evaluated: 2024-08-28. Review status: criteria provided, single submitter. Criteria: Invitae Variant Classification Sherloc (09022015). Collection method: clinical testing. Allele origin: germline.
Comment: This sequence change replaces asparagine, which is neutral and polar, with serine, which is neutral and polar, at codon 2244 of the HUWE1 protein (p.Asn2244Ser). This variant is present in population databases (no rsID available, gnomAD 0.005%). This variant has not been reported in the literature in individuals affected with HUWE1-related conditions. ClinVar contains an entry for this variant (Variation ID: 2042945). Invitae Evidence Modeling of protein sequence and biophysical properties (such as structural, functional, and spatial information, amino acid conservation, physicochemical variation, residue mobility, and thermodynamic stability) indicates that this missense variant is expected to disrupt HUWE1 protein function with a positive predictive value of 95%. In summary, the available evidence is currently insufficient to determine the role of this variant in disease. Therefore, it has been classified as a Variant of Uncertain Significance.

NM_031407.7(HUWE1):c.6731A>G (p.Asn2244Ser)

Gene: HUWE1 (HECT, UBA and WWE domain containing E3 ubiquitin protein ligase 1; minus strand). Cytogenetic location: Xp11.22.
Variant type: single nucleotide variant.
Coding change: c.6731A>G on transcript NM_031407.7 (MANE Select); coding-DNA position 6731, A replaced by G.
Protein change: p.Asn2244Ser; replaces asparagine 2244 with serine.
Molecular consequence: missense variant.
Genome position (GRCh38, 1-based): chrX:53,565,216, T>C on the plus strand (A>G on the coding strand, the complement: HUWE1 is on the minus strand). VCF-style: chrX-53565216-T-C. GRCh37 (hg19) VCF-style: chrX-53592177-T-C.
Other names: short protein forms N2244S.
Identifiers: ClinVar variation 2042945 (VCV002042945.4), dbSNP rs1296557764, ClinGen allele CA413162444.